The following is an entry in ClinVar:

ClinVar aggregate classification (germline): Pathogenic (1 of 4 stars; one submission).

Conditions:
Hereditary breast ovarian cancer syndrome. Also called: Hereditary breast and ovarian cancer syndrome; Hereditary breast and/or ovarian cancer syndrome; Hereditary breast and ovarian cancer syndrome (HBOC); Hereditary breast and ovarian cancer; Breast and ovarian cancer; BRCA1- and BRCA2-Associated Hereditary Breast and Ovarian Cancer. Identifiers: Orphanet 145, MedGen C0677776, MeSH D061325, MONDO:0003582. Disease mechanism: loss of function.

Submission:

Women's Health and Genetics/Laboratory Corporation of America, LabCorp
Classification: Pathogenic for Hereditary breast and ovarian cancer syndrome. Last evaluated: 2019-12-17. Review status: criteria provided, single submitter. Criteria: LabCorp Variant Classification Summary - May 2015. Collection method: clinical testing. Allele origin: germline.
Comment: Variant summary: The variant identified by MLPA or other technology involves the deletion of exons 13-16 (legacy name: exons 14-17 Del) in the BRCA1 gene. A presumed nomenclature of c.(4357+1_4358-1)_(5074+1_5075-1)del has been designated for the purposes of this classification. The variant was absent in approximately 20,000 control chromosomes (gnomAD, Structural Variants dataset). c.(4357+1_4358-1)_(5074+1_5075-1)del has been reported in the literature in individuals affected with Hereditary Breast and Ovarian Cancer (e.g. Petrij-Bosch_1997, Rebbeck_2018). These data indicate that the variant is very likely to be associated with disease. One ClinVar submitter (evaluation after 2014) cites the variant as likely pathogenic. Based on the evidence outlined above, the variant was classified as pathogenic.

Literature cited by the submitters: PubMed 29446198; PubMed 29483665; PubMed 9354803.

NC_000017.11:g.(43063952_43067607)_(43076615_43082403)del

Gene: BRCA1 (BRCA1 DNA repair associated; minus strand). Cytogenetic location: 17q21.31.
Variant type: Deletion.
Identifiers: ClinVar variation 982000 (VCV000982000.1).